The following is an entry in ClinVar:

NM_016427.3(ELOA2):c.1701G>C (p.Leu567=)

Genes: ELOA2 (elongin A2; minus strand), KATNAL2 (katanin catalytic subunit A1 like 2; plus strand). Cytogenetic location: 18q21.1.
Variant type: single nucleotide variant.
Coding change: c.1701G>C on transcript NM_016427.3 (MANE Select); coding-DNA position 1701, G replaced by C.
Protein change: p.Leu567=; no amino-acid change (leucine 567 retained).
Molecular consequence: synonymous variant. On other transcripts: intron variant (14).
Genome position (GRCh38, 1-based): chr18:47,033,564, C>G on the plus strand (G>C on the coding strand, the complement: ELOA2 is on the minus strand). VCF-style: chr18-47033564-C-G. GRCh37 (hg19) VCF-style: chr18-44559935-C-G.
Other names: c.-1-24671C>G (NM_001353904.1, NM_001353903.1, NM_001353907.1 and 3 more transcripts); c.130-12893C>G (NM_001353899.1, NM_001353900.1, NM_001353902.1); c.52-12893C>G (NM_001353901.1, NM_001387690.1, NM_001367621.1); c.-294-12893C>G (NM_001353905.1); c.-94-19316C>G (NM_031303.3).
Identifiers: ClinVar variation 3388740 (VCV003388740.14).

ClinVar aggregate classification (germline): Likely benign (1 of 4 stars; one submission).

gnomAD v4.1: 184 of 1,614,176 alleles (0.011%); highest among the groups gnomAD compares: African/African-American, 0.2%; no homozygotes.

Submission:

CeGaT Center for Human Genetics Tuebingen
Classification: Likely benign. Last evaluated: 2024-09-01. Review status: criteria provided, single submitter. Criteria: CeGaT Center For Human Genetics Tuebingen Variant Classification Criteria Version 2. Collection method: clinical testing. Allele origin: germline. Affected: yes. Observed: 1 variant allele.
Comment: ELOA2: BP4, BP7